The following is an entry in ClinVar:

ClinVar aggregate classification (germline): Likely pathogenic (1 of 4 stars; one submission).

Conditions:
Hypogonadotropic hypogonadism 1 with or without anosmia (HH1). Also called: Kallmann syndrome, type 1, X-linked; DYSPLASIA OLFACTOGENITALIS OF DE MORSIER; HYPOGONADOTROPIC HYPOGONADISM 1 WITH ANOSMIA; KAL1-Related GnRH Deficiency (Kallmann Syndrome 1; Kallmann Syndrome, X-Linked); Hypogonadotropic hypogonadism 1 with or without anosmia (Kallmann syndrome 1); HYPOGONADOTROPIC HYPOGONADISM AND ANOSMIA. Identifiers: Orphanet 478, MedGen C1563719, MONDO:0010635, OMIM 308700. Disease mechanism: loss of function.

Submission:

Women's Health and Genetics/Laboratory Corporation of America, LabCorp
Classification: Likely pathogenic for Hypogonadotropic hypogonadism 1 with or without anosmia. Last evaluated: 2026-01-16. Review status: criteria provided, single submitter. Criteria: LabCorp Variant Classification Summary - May 2015. Collection method: clinical testing. Allele origin: germline.
Comment: Variant summary: ANOS1 c.1A>C (p.Met1Leu) alters the initiation codon and is predicted to result either in absence of the protein or truncation of the encoded protein due to translation initiation at a downstream codon. Next inframe methionine islocated at codon 335. The variant was absent in 6399 control chromosomes. The available data on variant occurrences in the general population are insufficient to allow any conclusion about variant significance. c.1A>C has been observed in individual(s) affected with Hypogonadotropic Hypogonadism (example: Dwyer_2023). These data do not allow any conclusion about variant significance. To our knowledge, no experimental evidence demonstrating an impact on protein function has been reported. Other initiator methionine variants (c.1A>G, c.1A>T and c.3G>A) have been reported in multiple individuals with idiopathic hypogonadotropic hypogonadism and anosmia (PMID: 15605412, 26708526, internal data), indicating that disruption of the initiator codon for ANOS1 is pathogenic. The following publication has been ascertained in the context of this evaluation (PMID: 36268624). No submitters have cited clinical-significance assessments for this variant to ClinVar. Based on the evidence outlined above, the variant was classified as likely pathogenic.

Literature cited by the submitters: PubMed 36268624.

NM_000216.4(ANOS1):c.1A>C (p.Met1Leu)

Gene: ANOS1 (anosmin 1; minus strand). Cytogenetic location: Xp22.31.
Variant type: single nucleotide variant.
Coding change: c.1A>C on transcript NM_000216.4 (MANE Select); coding-DNA position 1, A replaced by C.
Protein change: p.Met1Leu; changes the start codon (methionine 1).
Molecular consequence: missense variant, initiator codon variant.
Genome position (GRCh38, 1-based): chrX:8,732,036, T>G on the plus strand (A>C on the coding strand, the complement: ANOS1 is on the minus strand). VCF-style: chrX-8732036-T-G. GRCh37 (hg19) VCF-style: chrX-8700077-T-G.
Other names: c.1A>C, p.Met1Leu (NM_001440775.1); short protein forms M1L.
Identifiers: ClinVar variation 4689321 (VCV004689321.1).